The following is an entry in ClinVar:

NM_000093.5(COL5A1):c.4554+3G>A

Genes: COL5A1 (collagen type V alpha 1 chain; plus strand), LOC101448202 (uncharacterized LOC101448202; minus strand). Cytogenetic location: 9q34.3.
Variant type: single nucleotide variant.
Coding change: c.4554+3G>A on transcript NM_000093.5 (MANE Select); 3 bases into the intron after coding-DNA position 4554, G replaced by A.
Molecular consequence: intron variant.
Genome position (GRCh38, 1-based): chr9:134,820,226, G>A. VCF-style: chr9-134820226-G-A. GRCh37 (hg19) VCF-style: chr9-137712072-G-A.
Other names: c.4554+3G>A (NM_001278074.1).
Identifiers: ClinVar variation 263949 (VCV000263949.6), dbSNP rs370976850, ClinGen allele CA5320331.

ClinVar aggregate classification (germline): Uncertain significance. Review status: criteria provided, multiple submitters, no conflicts (2 of 4 stars). 2 submissions from 2 submitters: Uncertain significance (2). Last evaluated 2024-12-23.

Conditions:
Ehlers-Danlos syndrome, classic type, 1 (EDSCL1). Also called: Ehlers-Danlos Syndrome, Classic Type, COL5A1-Related; EHLERS-DANLOS SYNDROME, GRAVIS TYPE; EHLERS-DANLOS SYNDROME, SEVERE CLASSIC TYPE; Ehlers-Danlos syndrome, type 1; EDS I. Identifiers: MedGen C0268335, MONDO:0019567, OMIM 130000.
Familial thoracic aortic aneurysm and aortic dissection (TAAD). Also called: Thoracic aortic aneurysms and dissections. Identifiers: Orphanet 91387, MedGen C4707243, MONDO:0019625.

Allele frequency attached by ClinVar (database versions not stated): gnomAD exomes below 0.00001; gnomAD 0.00002 and 0.00001; ESP Exome Variant Server 0.00008; ExAC 0.00001; TOPMed 0.00002.
gnomAD v4.1: 5 of 1,609,388 alleles (0.00031%); highest among the groups gnomAD compares: East Asian, 0.0022%; no homozygotes.

Submissions (2):

Labcorp Genetics (formerly Invitae), Labcorp
Classification: Uncertain significance for Ehlers-Danlos syndrome, classic type, 1. Last evaluated: 2024-12-23. Review status: criteria provided, single submitter. Criteria: Invitae Variant Classification Sherloc (09022015). Collection method: clinical testing. Allele origin: germline.
Comment: This sequence change falls in intron 58 of the COL5A1 gene. It does not directly change the encoded amino acid sequence of the COL5A1 protein. It affects a nucleotide within the consensus splice site. This variant is present in population databases (rs370976850, gnomAD 0.005%). This variant has been observed in individuals with clinical features of Ehlers-Danlos syndrome (internal data). ClinVar contains an entry for this variant (Variation ID: 263949). Variants that disrupt the consensus splice site are a relatively common cause of aberrant splicing (PMID: 17576681, 9536098). Algorithms developed to predict the effect of sequence changes on RNA splicing suggest that this variant is not likely to affect RNA splicing. In summary, the available evidence is currently insufficient to determine the role of this variant in disease. Therefore, it has been classified as a Variant of Uncertain Significance.

Ambry Genetics
Classification: Uncertain significance for Familial thoracic aortic aneurysm and aortic dissection. Last evaluated: 2015-03-24. Review status: criteria provided, single submitter. Criteria: Ambry Variant Classification Scheme 2023. Collection method: clinical testing. Allele origin: germline.
Comment: The c.4554+3G>A intronic variant results from a G to A substitution 3 nucleotides after coding exon 58 in the COL5A1 gene. This variant was previously reported in the SNPDatabase as rs370976850. Based on data from the NHLBI Exome Sequencing Project (ESP), the A allele has an overall frequency of approximately 0.01% (1/13006) total alleles studied and 0.01% (1/8600) European American alleles. This nucleotide position is poorly conserved in available vertebrate species. Using the BDGP and ESEfinder splice site prediction tools, this alteration does not have any significant effect on the native splice donor site; however, direct evidence is unavailable. Based on the available evidence to date, the clinical significance of this variant remains unclear.

Literature cited by the submitters: PubMed 17576681 (cited by Labcorp Genetics (formerly Invitae), Labcorp); PubMed 9536098 (cited by Labcorp Genetics (formerly Invitae), Labcorp).